The following is an entry in ClinVar:

NM_006361.6(HOXB13):c.573A>G (p.Pro191=)

Gene: HOXB13 (homeobox B13; minus strand). Cytogenetic location: 17q21.32.
Variant type: single nucleotide variant.
Coding change: c.573A>G on transcript NM_006361.6 (MANE Select); coding-DNA position 573, A replaced by G.
Protein change: p.Pro191=; no amino-acid change (proline 191 retained).
Molecular consequence: synonymous variant.
Genome position (GRCh38, 1-based): chr17:48,728,021, T>C on the plus strand (A>G on the coding strand, the complement: HOXB13 is on the minus strand). VCF-style: chr17-48728021-T-C. GRCh37 (hg19) VCF-style: chr17-46805383-T-C.
Other names: c.573A>G (NM_006361.5).
Identifiers: ClinVar variation 1543902 (VCV001543902.10), dbSNP rs1597933773, ClinGen allele CA500660808.

ClinVar aggregate classification (germline): Benign/Likely benign. Review status: criteria provided, multiple submitters, no conflicts (2 of 4 stars). 3 submissions from 3 submitters: Benign (1); Likely benign (2). Last evaluated 2024-10-30.

Conditions:
Prostate cancer, hereditary, 9 (HPC9). Identifiers: Orphanet 1331, MedGen C1970250, MONDO:0012597, OMIM 610997.
Hereditary cancer-predisposing syndrome. Also called: Hereditary neoplastic syndrome; Tumor predisposition; Neoplastic Syndromes, Hereditary; Hereditary Cancer Syndrome. Identifiers: Orphanet 140162, MedGen C0027672, MeSH D009386, MONDO:0015356.

Submissions (3):

Myriad Genetics, Inc.
Classification: Benign for Prostate cancer, hereditary, 9. Last evaluated: 2024-10-30. Review status: criteria provided, single submitter. Criteria: Myriad Autosomal Dominant, Autosomal Recessive and X-Linked Classification Criteria (2023). Collection method: clinical testing. Allele origin: unknown.
Comment: This variant is considered benign. This variant is a silent/synonymous amino acid change and it is not expected to impact splicing.

Labcorp Genetics (formerly Invitae), Labcorp
Classification: Likely benign. Last evaluated: 2024-09-15. Review status: criteria provided, single submitter. Criteria: Invitae Variant Classification Sherloc (09022015). Collection method: clinical testing. Allele origin: germline.

Ambry Genetics
Classification: Likely benign for Hereditary cancer-predisposing syndrome. Last evaluated: 2023-03-23. Review status: criteria provided, single submitter. Criteria: Ambry Variant Classification Scheme 2023. Collection method: clinical testing. Allele origin: germline.